The following is an entry in ClinVar:

ClinVar aggregate classification (germline): Uncertain significance (1 of 4 stars; one submission).

Submission:

Labcorp Genetics (formerly Invitae), Labcorp
Classification: Uncertain significance. Last evaluated: 2024-02-10. Review status: criteria provided, single submitter. Criteria: Invitae Variant Classification Sherloc (09022015). Collection method: clinical testing. Allele origin: germline.
Comment: This sequence change creates a premature translational stop signal (p.Ser56Glnfs*19) in the OAS1 gene. It is expected to result in an absent or disrupted protein product. However, the current clinical and genetic evidence is not sufficient to establish whether loss-of-function variants in OAS1 cause disease. This variant is not present in population databases (gnomAD no frequency). This variant has not been reported in the literature in individuals affected with OAS1-related conditions. In summary, the available evidence is currently insufficient to determine the role of this variant in disease. Therefore, it has been classified as a Variant of Uncertain Significance.

NM_016816.4(OAS1):c.165_166del (p.Ser56fs)

Genes: OAS1 (2'-5'-oligoadenylate synthetase 1; plus strand), LOC130008812 (ATAC-STARR-seq lymphoblastoid active region 7052; plus strand). Cytogenetic location: 12q24.13.
Variant type: Microsatellite.
Coding change: c.165_166del on transcript NM_016816.4 (MANE Select); coding-DNA positions 165 to 166, 2 bases deleted (GT; older notation c.165_166delGT).
Protein change: p.Ser56fs; shifts the reading frame from serine 56.
Molecular consequence: frameshift variant. On other transcripts: non-coding transcript variant (9).
Genome position (GRCh38, 1-based): chr12:112,907,204-112,907,205, GT deleted; deleting any 2 consecutive bases within chr12:112,907,195-112,907,205 gives the same sequence; the c. name uses the placement nearest the transcript's 3' end. VCF-style (leftmost placement, unchanged base first): chr12-112907194-CTG-C. GRCh37 (hg19) VCF-style: chr12-113344999-CTG-C.
Other names: c.165_166del, p.Ser56fs (NM_001406026.1, NM_001406027.1, NM_001406029.1 and 10 more transcripts); short protein forms S56fs.
Identifiers: ClinVar variation 3610430 (VCV003610430.2).
Genomic context (GRCh38, chr12:112,907,194, plus strand): 5'-ATGCCATTGACATCATCTGTGGGTTCCTGAAGGAAAGGTGCTTCCGAGGTAGCTCCTACC[CTG>C]TGTGTGTGTCCAAGGTGGTAAAGGTGAGTCCAGGCCTGCCTGGCCAGGGGAGGGGTGGCT-3'